The following is an entry in ClinVar:

NM_152564.5(VPS13B):c.10815G>T (p.Gln3605His)

Gene: VPS13B (vacuolar protein sorting 13 homolog B; plus strand). Cytogenetic location: 8q22.2.
Variant type: single nucleotide variant.
Coding change: c.10815G>T on transcript NM_152564.5 (MANE Select); coding-DNA position 10815, G replaced by T.
Protein change: p.Gln3605His; replaces glutamine 3605 with histidine.
Molecular consequence: missense variant.
Genome position (GRCh38, 1-based): chr8:99,854,204, G>T. VCF-style: chr8-99854204-G-T. GRCh37 (hg19) VCF-style: chr8-100866432-G-T.
Other names: c.10890G>T, p.Gln3630His (NM_017890.5); short protein forms Q3605H, Q3630H.
Identifiers: ClinVar variation 1714484 (VCV001714484.5), dbSNP rs2492241098, ClinGen allele CA371786237.

ClinVar aggregate classification (germline): Uncertain significance (1 of 4 stars; one submission).

Conditions:
Cohen syndrome (COH1). Also called: PEPPER SYNDROME; Cutis verticis gyrata, retinitis pigmentosa, and sensorineural deafness. Identifiers: Orphanet 193, MedGen C0265223, MONDO:0008999, OMIM 216550.

Submission:

Labcorp Genetics (formerly Invitae), Labcorp
Classification: Uncertain significance for Cohen syndrome. Last evaluated: 2022-07-30. Review status: criteria provided, single submitter. Criteria: Invitae Variant Classification Sherloc (09022015). Collection method: clinical testing. Allele origin: germline.
Comment: This sequence change replaces glutamine, which is neutral and polar, with histidine, which is basic and polar, at codon 3630 of the VPS13B protein (p.Gln3630His). This variant is not present in population databases (gnomAD no frequency). This variant has not been reported in the literature in individuals affected with VPS13B-related conditions. Algorithms developed to predict the effect of missense changes on protein structure and function are either unavailable or do not agree on the potential impact of this missense change (SIFT: "Not Available"; PolyPhen-2: "Benign"; Align-GVGD: "Not Available"). In summary, the available evidence is currently insufficient to determine the role of this variant in disease. Therefore, it has been classified as a Variant of Uncertain Significance.